The following is an entry in ClinVar:

ClinVar aggregate classification (germline): Uncertain significance (1 of 4 stars; one submission).

Conditions:
Deficiency of aromatic-L-amino-acid decarboxylase. Also called: Aromatic amino acid decarboxylase deficiency; AADC DEFICIENCY; DDC DEFICIENCY; DOPA DECARBOXYLASE DEFICIENCY; Aromatic L-Amino Acid Decarboxylase Deficiency. Identifiers: Orphanet 35708, MedGen C1291564, MONDO:0012084, OMIM 608643.

Submission:

Labcorp Genetics (formerly Invitae), Labcorp
Classification: Uncertain significance for Deficiency of aromatic-L-amino-acid decarboxylase. Last evaluated: 2022-05-25. Review status: criteria provided, single submitter. Criteria: Invitae Variant Classification Sherloc (09022015). Collection method: clinical testing. Allele origin: germline.
Comment: In summary, the available evidence is currently insufficient to determine the role of this variant in disease. Therefore, it has been classified as a Variant of Uncertain Significance. Algorithms developed to predict the effect of missense changes on protein structure and function are either unavailable or do not agree on the potential impact of this missense change (SIFT: "Deleterious"; PolyPhen-2: "Probably Damaging"; Align-GVGD: "Class C0"). This variant has not been reported in the literature in individuals affected with DDC-related conditions. This variant is not present in population databases (gnomAD no frequency). This sequence change replaces proline, which is neutral and non-polar, with alanine, which is neutral and non-polar, at codon 74 of the DDC protein (p.Pro74Ala).

NM_001082971.2(DDC):c.220C>G (p.Pro74Ala)

Genes: DDC (dopa decarboxylase; minus strand), DDC-AS1 (DDC antisense RNA 1; plus strand). Cytogenetic location: 7p12.1.
Variant type: single nucleotide variant.
Coding change: c.220C>G on transcript NM_001082971.2 (MANE Select); coding-DNA position 220, C replaced by G.
Protein change: p.Pro74Ala; replaces proline 74 with alanine.
Molecular consequence: missense variant. On other transcripts: non-coding transcript variant (1), intron variant (2).
Genome position (GRCh38, 1-based): chr7:50,540,010, G>C on the plus strand (C>G on the coding strand, the complement: DDC is on the minus strand). VCF-style: chr7-50540010-G-C. GRCh37 (hg19) VCF-style: chr7-50607708-G-C.
Other names: c.220C>G, p.Pro74Ala (NM_000790.4, NM_001242887.2, NM_001242889.2 and 1 more transcripts); c.201+3875C>G (NM_001242888.2); c.202-2031C>G (NM_001242886.2); short protein forms P74A.
Identifiers: ClinVar variation 2134905 (VCV002134905.4), dbSNP rs1414196907, ClinGen allele CA367529913.
Genomic context (GRCh38, chr7:50,540,010, plus strand): 5'-GCATGTCCGCAAGCATGGCCGGGTACGAGCTGGCAGTGGGGAAGTAGGCGAAGAAGTAGG[G>C]GCTGTGCCAGTGCGTCACCTGCATGGGAGGACAGAGCAGCTGCTGAGGAGTGAGGAAAGC-3'
Protein context (NP_001076440.2, residues 64-84): IMPGVTHWHS[Pro74Ala]YFFAYFPTAS